The following is an entry in ClinVar:

ClinVar aggregate classification (germline): Benign/Likely benign. Review status: criteria provided, multiple submitters, no conflicts (2 of 4 stars). 4 submissions from 4 submitters: Benign (1); Likely benign (2). 1 of the submissions does not count toward it. Last evaluated 2026-06-01.

Conditions:
Inborn genetic diseases. Identifiers: MedGen C0950123, MeSH D030342.
Mucopolysaccharidosis, MPS-II (MPS2). Also called: IDS deficiency; Sulfoiduronate sulfatase deficiency; SIDS deficiency; Attenuated MPS (subtype; formerly known as mild MPS II); Severe MPS II; I2S deficiency. Identifiers: Orphanet 580, Orphanet 79388, MedGen C0026705, MONDO:0010674, OMIM 309900.

Allele frequency attached by ClinVar (database versions not stated): gnomAD exomes 0.00003; TOPMed 0.00003; gnomAD 0.00005.
gnomAD v4.1: 41 of 1,197,480 alleles (0.0034%); highest among the groups gnomAD compares: Middle Eastern, 0.12%; no homozygotes.

Submissions (4):

CeGaT Center for Human Genetics Tuebingen
Classification: Likely benign. Last evaluated: 2026-06-01. Review status: criteria provided, single submitter. Criteria: CeGaT Center For Human Genetics Tuebingen Variant Classification Criteria Version 2. Collection method: clinical testing. Allele origin: germline. Affected: yes. Observed: 3 variant alleles.
Comment: IDS: BS2

Labcorp Genetics (formerly Invitae), Labcorp
Classification: Benign for Mucopolysaccharidosis, MPS-II. Last evaluated: 2025-12-09. Review status: criteria provided, single submitter. Criteria: Invitae Variant Classification Sherloc (09022015). Collection method: clinical testing. Allele origin: germline.

Ambry Genetics
Classification: Likely benign for Inborn genetic diseases. Last evaluated: 2022-12-14. Review status: criteria provided, single submitter. Criteria: Ambry Variant Classification Scheme 2023. Collection method: clinical testing. Allele origin: germline.

Natera, Inc.
Classification: Likely benign for Mucopolysaccharidosis type II. Last evaluated: 2020-10-12. Review status: no assertion criteria provided. Collection method: clinical testing. Allele origin: germline. Not counted in ClinVar's aggregate classification.

NM_000202.8(IDS):c.23G>T (p.Arg8Leu)

Genes: IDS (iduronate 2-sulfatase; minus strand), LOC130068781 (ATAC-STARR-seq lymphoblastoid active region 30015; plus strand). Cytogenetic location: Xq28.
Variant type: single nucleotide variant.
Coding change: c.23G>T on transcript NM_000202.8 (MANE Select); coding-DNA position 23, G replaced by T.
Protein change: p.Arg8Leu; replaces arginine 8 with leucine.
Molecular consequence: missense variant. On other transcripts: 5 prime UTR variant (1), non-coding transcript variant (1).
Genome position (GRCh38, 1-based): chrX:149,505,115, C>A on the plus strand (G>T on the coding strand, the complement: IDS is on the minus strand). VCF-style: chrX-149505115-C-A. GRCh37 (hg19) VCF-style: chrX-148586645-C-A.
Other names: c.-204G>T (NM_001166550.4); c.23G>T, p.Arg8Leu (NM_006123.5); c.23G>T (NM_000202.5); short protein forms R8L.
Identifiers: ClinVar variation 757068 (VCV000757068.31), dbSNP rs782621858, ClinGen allele CA10537762.
Genomic context (GRCh38, chrX:149,505,115, plus strand): 5'-GTTTCGGATCCGAGGGCGACGCAGACGGAGCTCAGAACCAGACCCAGCCAGAGAAGGCCT[C>A]GGCCGGTCCGGGGTGGCGGCATTTCGGCTTCGACGCGGCCGCTTCAGAGCGGCGGGGACA-3'
Protein context (NP_000193.1, residues 1-18): MPPPRTG[Arg8Leu]GLLWLGLVLS